The following is an entry in ClinVar:

NM_182925.5(FLT4):c.1711G>A (p.Gly571Ser)

Gene: FLT4 (fms related receptor tyrosine kinase 4; minus strand). Cytogenetic location: 5q35.3.
Variant type: single nucleotide variant.
Coding change: c.1711G>A on transcript NM_182925.5 (MANE Select); coding-DNA position 1711, G replaced by A.
Protein change: p.Gly571Ser; replaces glycine 571 with serine.
Molecular consequence: missense variant.
Genome position (GRCh38, 1-based): chr5:180,621,851, C>T on the plus strand (G>A on the coding strand, the complement: FLT4 is on the minus strand). VCF-style: chr5-180621851-C-T. GRCh37 (hg19) VCF-style: chr5-180048851-C-T.
Other names: c.1711G>A, p.Gly571Ser (NM_001354989.2, NM_002020.5); short protein forms G571S.
Identifiers: ClinVar variation 4083137 (VCV004083137.1).

ClinVar aggregate classification (germline): Uncertain significance (1 of 4 stars; one submission).

Submission:

GeneDx
Classification: Uncertain significance. Last evaluated: 2025-03-11. Review status: criteria provided, single submitter. Criteria: GeneDx Variant Classification Process June 2021. Collection method: clinical testing. Allele origin: germline. Affected: yes.
Comment: Not observed at significant frequency in large population cohorts (gnomAD); In silico analysis supports that this missense variant has a deleterious effect on protein structure/function; Has not been previously published as pathogenic or benign to our knowledge